The following is an entry in ClinVar:

ClinVar aggregate classification (germline): Likely benign. Review status: criteria provided, single submitter (1 of 4 stars). 2 submissions from 2 submitters: Likely benign (1). 1 of the submissions does not count toward it. Last evaluated 2025-11-24.

Conditions:
Niemann-Pick disease, type C1. Also called: NIEMANN-PICK DISEASE, VARIANT TYPE C1; NEUROVISCERAL STORAGE DISEASE WITH VERTICAL SUPRANUCLEAR OPHTHALMOPLEGIA; NIEMANN-PICK DISEASE WITH CHOLESTEROL ESTERIFICATION BLOCK; NIEMANN-PICK DISEASE WITHOUT SPHINGOMYELINASE DEFICIENCY; NIEMANN-PICK DISEASE, CHRONIC NEURONOPATHIC FORM. Identifiers: Orphanet 646, MedGen C3179455, MONDO:0009757, OMIM 257220.
NPC1-related disorder. Also called: NPC1-related condition.

Submissions (2):

Labcorp Genetics (formerly Invitae), Labcorp
Classification: Likely benign for Niemann-Pick disease, type C1. Last evaluated: 2025-11-24. Review status: criteria provided, single submitter. Criteria: Invitae Variant Classification Sherloc (09022015). Collection method: clinical testing. Allele origin: germline.

PreventionGenetics, part of Exact Sciences
Classification: Likely benign for NPC1-related condition. Last evaluated: 2021-09-23. Review status: no assertion criteria provided. Collection method: clinical testing. Allele origin: germline. Not counted in ClinVar's aggregate classification.
Comment: This variant is classified as likely benign based on ACMG/AMP sequence variant interpretation guidelines (Richards et al. 2015 PMID: 25741868, with internal and published modifications).

NM_000271.5(NPC1):c.1947+13_1947+14insC

Gene: NPC1 (NPC intracellular cholesterol transporter 1; minus strand). Cytogenetic location: 18q11.2.
Variant type: Insertion.
Coding change: c.1947+13_1947+14insC on transcript NM_000271.5 (MANE Select); bases 13 to 14 of the intron after coding-DNA position 1947, C inserted.
Molecular consequence: intron variant.
Genome position: GRCh38 VCF-style: chr18-23544946-C-CG. GRCh37 (hg19) VCF-style: chr18-21124910-C-CG.
Other names: c.1947+13_1947+14insC (NM_000271.4).
Identifiers: ClinVar variation 1575142 (VCV001575142.10), dbSNP rs1555634643, ClinGen allele CA777725031.